The following is an entry in ClinVar:

NM_001184880.2(PCDH19):c.339C>T (p.Cys113=)

Gene: PCDH19 (protocadherin 19; minus strand). Cytogenetic location: Xq22.1.
Variant type: single nucleotide variant.
Coding change: c.339C>T on transcript NM_001184880.2 (MANE Select); coding-DNA position 339, C replaced by T.
Protein change: p.Cys113=; no amino-acid change (cysteine 113 retained).
Molecular consequence: synonymous variant.
Genome position (GRCh38, 1-based): chrX:100,408,259, G>A on the plus strand (C>T on the coding strand, the complement: PCDH19 is on the minus strand). VCF-style: chrX-100408259-G-A. GRCh37 (hg19) VCF-style: chrX-99663257-G-A.
Other names: c.339C>T, p.Cys113= (NM_001105243.2, NM_020766.3).
Identifiers: ClinVar variation 2661030 (VCV002661030.26), dbSNP rs757433043, ClinGen allele CA10468997.

ClinVar aggregate classification (germline): Likely benign. Review status: criteria provided, multiple submitters, no conflicts (2 of 4 stars). 2 submissions from 2 submitters: Likely benign (2). Last evaluated 2025-01-08.

Conditions:
Developmental and epileptic encephalopathy, 9 (DEE9). Also called: Early infantile epileptic encephalopathy 9; EPILEPSY, FEMALE-RESTRICTED, WITH MENTAL RETARDATION; JUBERG-HELLMAN SYNDROME; PCDH19-Related X-Linked Female-Limited Epilepsy with Mental Retardation. Identifiers: Orphanet 101039, Orphanet 2076, MedGen C1848137, MONDO:0010246, OMIM 300088. Disease mechanism: loss of function.

Allele frequency attached by ClinVar (database versions not stated): ExAC 0.00001; gnomAD 0.00001; gnomAD exomes 0.00001.
gnomAD v4.1: 9 of 1,209,908 alleles (0.00074%); highest among the groups gnomAD compares: African/African-American, 0.0017%; no homozygotes.

Submissions (2):

Labcorp Genetics (formerly Invitae), Labcorp
Classification: Likely benign for Developmental and epileptic encephalopathy, 9. Last evaluated: 2025-01-08. Review status: criteria provided, single submitter. Criteria: Invitae Variant Classification Sherloc (09022015). Collection method: clinical testing. Allele origin: germline.

CeGaT Center for Human Genetics Tuebingen
Classification: Likely benign. Last evaluated: 2022-05-01. Review status: criteria provided, single submitter. Criteria: CeGaT Center For Human Genetics Tuebingen Variant Classification Criteria Version 2. Collection method: clinical testing. Allele origin: germline. Affected: yes. Observed: 1 variant allele.
Comment: PCDH19: BP4, BP7